The following is an entry in ClinVar:

ClinVar aggregate classification (germline): Uncertain significance (1 of 4 stars; one submission).

Conditions:
Cardiovascular phenotype. Identifiers: MedGen CN230736.

Submission:

Molecular Diagnostic Laboratory for Inherited Cardiovascular Disease, Montreal Heart Institute
Classification: Uncertain significance for Cardiovascular phenotype. Last evaluated: 2025-04-09. Review status: criteria provided, single submitter. Criteria: ACMG Guidelines, 2015. Collection method: clinical testing. Allele origin: germline. Affected: yes.
Comment: PM2, BP4

NM_020745.4(AARS2):c.2639A>C (p.Lys880Thr)

Gene: AARS2 (alanyl-tRNA synthetase 2, mitochondrial; minus strand). Cytogenetic location: 6p21.1.
Variant type: single nucleotide variant.
Coding change: c.2639A>C on transcript NM_020745.4 (MANE Select); coding-DNA position 2639, A replaced by C.
Protein change: p.Lys880Thr; replaces lysine 880 with threonine.
Molecular consequence: missense variant.
Genome position (GRCh38, 1-based): chr6:44,301,424, T>G on the plus strand (A>C on the coding strand, the complement: AARS2 is on the minus strand). VCF-style: chr6-44301424-T-G. GRCh37 (hg19) VCF-style: chr6-44269161-T-G.
Other names: short protein forms K880T.
Identifiers: ClinVar variation 3895351 (VCV003895351.1), dbSNP rs147575189.
Genomic context (GRCh38, chr6:44,301,424, plus strand): 5'-GCTTGGCTAGCACTCACTGAGAGAGACTCAGCAGAGACTGTGTCCACAATCAGAGGCCCC[T>G]TCGAGTGCCGCTCCAGCAGCTCCTGAGTTTTCTTTGCAGCCTATGGGGCAGGAAGGACAA-3'
Protein context (NP_065796.2, residues 870-890): KTQELLERHS[Lys880Thr]GPLIVDTVSA